The following is an entry in ClinVar:

NM_152564.5(VPS13B):c.5590C>T (p.Gln1864Ter)

Gene: VPS13B (vacuolar protein sorting 13 homolog B; plus strand). Cytogenetic location: 8q22.2.
Variant type: single nucleotide variant.
Coding change: c.5590C>T on transcript NM_152564.5 (MANE Select); coding-DNA position 5590, C replaced by T.
Protein change: p.Gln1864Ter; replaces glutamine 1864 with a stop codon.
Molecular consequence: nonsense.
Genome position (GRCh38, 1-based): chr8:99,642,180, C>T. VCF-style: chr8-99642180-C-T. GRCh37 (hg19) VCF-style: chr8-100654408-C-T.
Other names: c.5665C>T, p.Gln1889Ter (NM_017890.5); short protein forms Q1864*, Q1889*.
Identifiers: ClinVar variation 4815960 (VCV004815960.1).

ClinVar aggregate classification (germline): Likely pathogenic (1 of 4 stars; one submission).

Conditions:
Cohen syndrome (COH1). Also called: PEPPER SYNDROME; Cutis verticis gyrata, retinitis pigmentosa, and sensorineural deafness. Identifiers: Orphanet 193, MedGen C0265223, MONDO:0008999, OMIM 216550.

Submission:

Natera, Inc.
Classification: Likely pathogenic for Cohen syndrome. Last evaluated: 2024-04-08. Review status: criteria provided, single submitter. Criteria: Natera Variant Classification Schema (03/2026). Collection method: clinical testing. Allele origin: germline.
Comment: The c.5665C>T variant in VPS13B is a nonsense variant predicted to introduce a stop codon at amino acid 1889. This variant is expected to result in nonsense mediated decay, truncation, or a dysfunctional protein product. This variant is rare in the general population with a frequency below the threshold expected for the associated phenotype(s). Given the available evidence, this variant is classified as Likely Pathogenic.